The following is an entry in ClinVar:

NM_198488.5(FAM83H):c.910_920del (p.Gly304fs)

Gene: FAM83H (family with sequence similarity 83 member H; minus strand). Cytogenetic location: 8q24.3.
Variant type: Deletion.
Coding change: c.910_920del on transcript NM_198488.5 (MANE Select); coding-DNA positions 910 to 920, 11 bases deleted (GGGGCCGGGCC).
Protein change: p.Gly304fs; shifts the reading frame from glycine 304.
Molecular consequence: frameshift variant.
Genome position (GRCh38, 1-based): chr8:143,728,541-143,728,551, GGCCCGGCCCC deleted on the plus strand (GGGGCCGGGCC on the coding strand, the reverse complement: FAM83H is on the minus strand); deleting any 11 consecutive bases within chr8:143,728,541-143,728,554 gives the same sequence; the c. name uses the placement nearest the transcript's 3' end. VCF-style (leftmost placement, unchanged base first): chr8-143728540-AGGCCCGGCCCC-A. GRCh37 (hg19) VCF-style: chr8-144810710-AGGCCCGGCCCC-A.
Other names: short protein forms G304fs.
Identifiers: ClinVar variation 3348365 (VCV003348365.1).

ClinVar aggregate classification (germline): Likely pathogenic (0 of 4 stars; one submission).

Conditions:
FAM83H-related disorder. Also called: FAM83H-related condition.

Submission:

PreventionGenetics, part of Exact Sciences
Classification: Likely pathogenic for FAM83H-related condition. Last evaluated: 2024-04-17. Review status: no assertion criteria provided. Collection method: clinical testing. Allele origin: germline.
Comment: The FAM83H c.910_920del11 variant is predicted to result in a frameshift and premature protein termination (p.Gly304Serfs*17). To our knowledge, this variant has not been reported in the literature or in a large population database, indicating this variant is rare. Frameshift variants in FAM83H are expected to be pathogenic. This variant is interpreted as likely pathogenic.